The following is an entry in ClinVar:

ClinVar aggregate classification (germline): Pathogenic (1 of 4 stars; one submission).

Submission:

Labcorp Genetics (formerly Invitae), Labcorp
Classification: Pathogenic. Last evaluated: 2021-04-30. Review status: criteria provided, single submitter. Criteria: Invitae Variant Classification Sherloc (09022015). Collection method: clinical testing. Allele origin: germline.
Comment: This sequence change creates a premature translational stop signal (p.Leu8*) in the LIFR gene. It is expected to result in an absent or disrupted protein product. Loss-of-function variants in LIFR are known to be pathogenic (PMID: 14740318). This variant is not present in population databases (ExAC no frequency). This variant has not been reported in the literature in individuals with LIFR-related conditions. Algorithms developed to predict the effect of sequence changes on RNA splicing suggest that this variant may create or strengthen a splice site, but this prediction has not been confirmed by published transcriptional studies. For these reasons, this variant has been classified as Pathogenic.

Literature cited by the submitters: PubMed 14740318.

NM_001127671.2(LIFR):c.23T>A (p.Leu8Ter)

Gene: LIFR (LIF receptor subunit alpha; minus strand). Cytogenetic location: 5p13.1.
Variant type: single nucleotide variant.
Coding change: c.23T>A on transcript NM_001127671.2 (MANE Select); coding-DNA position 23, T replaced by A.
Protein change: p.Leu8Ter; replaces leucine 8 with a stop codon.
Molecular consequence: nonsense.
Genome position (GRCh38, 1-based): chr5:38,530,625, A>T on the plus strand (T>A on the coding strand, the complement: LIFR is on the minus strand). VCF-style: chr5-38530625-A-T. GRCh37 (hg19) VCF-style: chr5-38530727-A-T.
Other names: c.23T>A, p.Leu8Ter (NM_001364297.2, NM_001364298.2, NM_002310.6); short protein forms L8*.
Identifiers: ClinVar variation 1381166 (VCV001381166.6), dbSNP rs1746954710, ClinGen allele CA359616400.